The following is an entry in ClinVar:

NM_012120.3(CD2AP):c.1704A>C (p.Glu568Asp)

Gene: CD2AP (CD2 associated protein; plus strand). Cytogenetic location: 6p12.3.
Variant type: single nucleotide variant.
Coding change: c.1704A>C on transcript NM_012120.3 (MANE Select); coding-DNA position 1704, A replaced by C.
Protein change: p.Glu568Asp; replaces glutamic acid 568 with aspartic acid.
Molecular consequence: missense variant.
Genome position (GRCh38, 1-based): chr6:47,609,194, A>C. VCF-style: chr6-47609194-A-C. GRCh37 (hg19) VCF-style: chr6-47576930-A-C.
Other names: short protein forms E568D.
Identifiers: ClinVar variation 3068616 (VCV003068616.1), dbSNP rs753793812, ClinGen allele CA363942490.

ClinVar aggregate classification (germline): Uncertain significance (1 of 4 stars; one submission).

Conditions:
Focal segmental glomerulosclerosis 3, susceptibility to (FSGS3). Identifiers: Orphanet 656, MedGen C1842982, MONDO:0011917, OMIM 607832.

Submission:

Molecular Genetics, Royal Melbourne Hospital
Classification: Uncertain significance for Focal segmental glomerulosclerosis 3, susceptibility to. Last evaluated: 2023-08-01. Review status: criteria provided, single submitter. Criteria: ACMG Guidelines, 2015. Collection method: clinical testing. Allele origin: germline. Inheritance: Semidominant inheritance.
Comment: This sequence change in CD2AP is predicted to replace glutamic acid with aspartic acid at codon 568, p.(Glu568Asp). The glutamic acid residue is moderately conserved (100 vertebrates, UCSC), and is not located in an annotated domain. There is a small physicochemical difference between glutamic acid and aspartic acid. This variant is absent from the population database gnomAD v2.1 and v3.1. To our knowledge, this variant is novel and has not been previously reported in the relevant scientific literature or databases. Computational evidence predicts a benign effect for the missense substitution (REVEL = 0.049). Based on the classification scheme RMH Modified ACMG/AMP Guidelines v1.6.1, this variant is classified as a VARIANT OF UNCERTAIN SIGNIFICANCE. Following criteria are met: BP4, PM2_Supporting.